The following is an entry in ClinVar:

ClinVar aggregate classification (germline): Uncertain significance (1 of 4 stars; one submission).

Conditions:
Ornithine carbamoyltransferase deficiency (OTCD). Also called: ORNITHINE TRANSCARBAMYLASE DEFICIENCY; ORNITHINE TRANSCARBAMYLASE DEFICIENCY, HYPERAMMONEMIA DUE TO; OTC DEFICIENCY; Ornithine Carbamoyltransferase Deficiency Disease. Identifiers: Orphanet 664, MedGen C0268542, MONDO:0010703, OMIM 311250.

Allele frequency attached by ClinVar (database versions not stated): gnomAD exomes below 0.00001; TOPMed below 0.00001.
gnomAD v4.1: 2 of 1,197,732 alleles (0.00017%); highest among the groups gnomAD compares: Non-Finnish European, 0.00023%; no homozygotes.

Submission:

All of Us Research Program, National Institutes of Health
Classification: Uncertain significance for Ornithine carbamoyltransferase deficiency. Last evaluated: 2023-08-23. Review status: criteria provided, single submitter. Criteria: ACMG Guidelines, 2015. Collection method: clinical testing. Allele origin: germline. Inheritance: X-linked inheritance. Observed: 1 variant allele, 1 heterozygote.
Comment: This missense variant replaces valine with isoleucine at codon 337 of the OTC protein. Computational prediction is inconclusive regarding the impact of this variant on protein structure and function (internally defined REVEL score threshold 0.5 < inconclusive < 0.7, PMID: 27666373). To our knowledge, functional studies have not been reported for this variant. This variant has not been reported in individuals affected with OTC-related disorders in the literature. This variant has not been identified in the general population by the Genome Aggregation Database (gnomAD). The available evidence is insufficient to determine the role of this variant in disease conclusively. Therefore, this variant is classified as a Variant of Uncertain Significance.

This study involves interpretation of variants in research participants for the purpose of population health screening. Participant phenotype was not available at the time of variant classification. Additional details can be found in publication PMID: 35346344, PMCID: PMC8962531

NM_000531.6(OTC):c.1009G>A (p.Val337Ile)

Gene: OTC (ornithine transcarbamylase; plus strand). Cytogenetic location: Xp11.4.
Variant type: single nucleotide variant.
Coding change: c.1009G>A on transcript NM_000531.6 (MANE Select); coding-DNA position 1009, G replaced by A.
Protein change: p.Val337Ile; replaces valine 337 with isoleucine.
Molecular consequence: missense variant.
Genome position (GRCh38, 1-based): chrX:38,421,026, G>A. VCF-style: chrX-38421026-G-A. GRCh37 (hg19) VCF-style: chrX-38280279-G-A.
Other names: c.1009G>A, p.Val337Ile (NM_001407092.1); short protein forms V337I.
Identifiers: ClinVar variation 3073064 (VCV003073064.1), dbSNP rs72558487, ClinGen allele CA412728013.